The following is an entry in ClinVar:

ClinVar aggregate classification (germline): Uncertain significance. Review status: criteria provided, multiple submitters, no conflicts (2 of 4 stars). 4 submissions from 4 submitters: Uncertain significance (4). Last evaluated 2025-12-16.

Conditions:
NOTCH2-related disorder. Also called: NOTCH2-related condition.
Hajdu-Cheney syndrome (HJCYS). Also called: SERPENTINE FIBULA-POLYCYSTIC KIDNEY SYNDROME; Acroosteolysis dominant type; ACROOSTEOLYSIS WITH OSTEOPOROSIS AND CHANGES IN SKULL AND MANDIBLE. Identifiers: Orphanet 955, MedGen C0917715, MONDO:0007057, OMIM 102500.

Allele frequency attached by ClinVar (database versions not stated): gnomAD 0.00001; gnomAD exomes 0.00001; ExAC 0.00002; TOPMed 0.00003.

Submissions (4):

Labcorp Genetics (formerly Invitae), Labcorp
Classification: Uncertain significance for Hajdu-Cheney syndrome. Last evaluated: 2025-12-16. Review status: criteria provided, single submitter. Criteria: Invitae Variant Classification Sherloc (09022015). Collection method: clinical testing. Allele origin: germline.
Comment: This sequence change replaces glutamic acid, which is acidic and polar, with lysine, which is basic and polar, at codon 1174 of the NOTCH2 protein (p.Glu1174Lys). This variant is present in population databases (rs782318679, gnomAD 0.007%). This variant has not been reported in the literature in individuals affected with NOTCH2-related conditions. ClinVar contains an entry for this variant (Variation ID: 502758). An algorithm developed to predict the effect of missense changes on protein structure and function (PolyPhen-2) suggests that this variant is likely to be tolerated. In summary, the available evidence is currently insufficient to determine the role of this variant in disease. Therefore, it has been classified as a Variant of Uncertain Significance.

PreventionGenetics, part of Exact Sciences
Classification: Uncertain significance for NOTCH2-related condition. Last evaluated: 2025-04-15. Review status: criteria provided, single submitter. Criteria: ACMG Guidelines, 2015. Collection method: clinical testing. Allele origin: germline.
Comment: The NOTCH2 c.3520G>A variant is predicted to result in the amino acid substitution p.Glu1174Lys. To our knowledge, this variant has not been reported in the literature. This variant is reported in 0.0062% of alleles in individuals of African descent in gnomAD. At this time, the clinical significance of this variant is uncertain due to the absence of conclusive functional and genetic evidence.

Eurofins Ntd Llc (ga)
Classification: Uncertain significance. Last evaluated: 2017-06-28. Review status: criteria provided, single submitter. Criteria: EGL Classification Definitions 2015. Collection method: clinical testing. Allele origin: germline. Observed: 1 variant allele, 1 heterozygote.

Daryl Scott Lab, Baylor College of Medicine
Classification: Uncertain significance for NOTCH2-related disorder. Review status: criteria provided, single submitter. Criteria: ACMG Guidelines, 2015. Collection method: clinical testing. Allele origin: de novo. Affected: yes. Observed: 1 heterozygote.
Comment: PS2, BS2

NM_024408.4(NOTCH2):c.3520G>A (p.Glu1174Lys)

Gene: NOTCH2 (notch receptor 2; minus strand). Cytogenetic location: 1p12.
Variant type: single nucleotide variant.
Coding change: c.3520G>A on transcript NM_024408.4 (MANE Select); coding-DNA position 3520, G replaced by A.
Protein change: p.Glu1174Lys; replaces glutamic acid 1174 with lysine.
Molecular consequence: missense variant.
Genome position (GRCh38, 1-based): chr1:119,937,284, C>T on the plus strand (G>A on the coding strand, the complement: NOTCH2 is on the minus strand). VCF-style: chr1-119937284-C-T. GRCh37 (hg19) VCF-style: chr1-120479907-C-T.
Other names: c.3520G>A (NM_024408.3); c.3520G>A, p.Glu1174Lys (NM_001200001.2); short protein forms E1174K.
Identifiers: ClinVar variation 502758 (VCV000502758.14), dbSNP rs782318679, ClinGen allele CA1040047.